The following is an entry in ClinVar:

ClinVar aggregate classification (germline): Uncertain significance. Review status: criteria provided, multiple submitters, no conflicts (2 of 4 stars). 2 submissions from 2 submitters: Uncertain significance (2). Last evaluated 2022-10-05.

Conditions:
Hereditary cancer-predisposing syndrome. Also called: Neoplastic Syndromes, Hereditary; Tumor predisposition; Hereditary Cancer Syndrome; Hereditary neoplastic syndrome. Identifiers: Orphanet 140162, MedGen C0027672, MeSH D009386, MONDO:0015356.
Oligodontia-cancer predisposition syndrome. Also called: TOOTH AGENESIS-COLORECTAL CANCER SYNDROME. Identifiers: Orphanet 300576, MedGen C1837750, MONDO:0012075, OMIM 608615. Disease mechanism: loss of function.

gnomAD v4.1: 1 of 1,614,158 alleles (0.000062%); highest among the groups gnomAD compares: Non-Finnish European, 0.000085%; no homozygotes.

Submissions (2):

Labcorp Genetics (formerly Invitae), Labcorp
Classification: Uncertain significance for Oligodontia-cancer predisposition syndrome. Last evaluated: 2022-10-05. Review status: criteria provided, single submitter. Criteria: Invitae Variant Classification Sherloc (09022015). Collection method: clinical testing. Allele origin: germline.
Comment: In summary, the available evidence is currently insufficient to determine the role of this variant in disease. Therefore, it has been classified as a Variant of Uncertain Significance. Advanced modeling of protein sequence and biophysical properties (such as structural, functional, and spatial information, amino acid conservation, physicochemical variation, residue mobility, and thermodynamic stability) performed at Invitae indicates that this missense variant is not expected to disrupt AXIN2 protein function. This variant has not been reported in the literature in individuals affected with AXIN2-related conditions. This variant is not present in population databases (gnomAD no frequency). This sequence change replaces serine, which is neutral and polar, with threonine, which is neutral and polar, at codon 387 of the AXIN2 protein (p.Ser387Thr).

Ambry Genetics
Classification: Uncertain significance for Hereditary cancer-predisposing syndrome. Last evaluated: 2022-08-10. Review status: criteria provided, single submitter. Criteria: Ambry Variant Classification Scheme 2023. Collection method: clinical testing. Allele origin: germline.
Comment: The p.S387T variant (also known as c.1160G>C), located in coding exon 4 of the AXIN2 gene, results from a G to C substitution at nucleotide position 1160. The serine at codon 387 is replaced by threonine, an amino acid with similar properties. This amino acid position is conserved. In addition, this alteration is predicted to be tolerated by in silico analysis. Since supporting evidence is limited at this time, the clinical significance of this alteration remains unclear.

NM_004655.4(AXIN2):c.1160G>C (p.Ser387Thr)

Gene: AXIN2 (axin 2; minus strand). Cytogenetic location: 17q24.1.
Variant type: single nucleotide variant.
Coding change: c.1160G>C on transcript NM_004655.4 (MANE Select); coding-DNA position 1160, G replaced by C.
Protein change: p.Ser387Thr; replaces serine 387 with threonine.
Molecular consequence: missense variant.
Genome position (GRCh38, 1-based): chr17:65,538,243, C>G on the plus strand (G>C on the coding strand, the complement: AXIN2 is on the minus strand). VCF-style: chr17-65538243-C-G. GRCh37 (hg19) VCF-style: chr17-63534361-C-G.
Other names: c.1160G>C, p.Ser387Thr (NM_001363813.1); short protein forms S387T.
Identifiers: ClinVar variation 1736652 (VCV001736652.7), dbSNP rs2043979107, ClinGen allele CA400678270.